The following is an entry in ClinVar:

ClinVar aggregate classification (germline): Uncertain significance (1 of 4 stars; one submission).

Allele frequency attached by ClinVar (database versions not stated): TOPMed below 0.00001; gnomAD 0.00001.

Submission:

Laboratory for Molecular Medicine, Mass General Brigham Personalized Medicine
Classification: Uncertain significance. Last evaluated: 2016-02-25. Review status: criteria provided, single submitter. Criteria: LMM Criteria. Collection method: clinical testing. Allele origin: germline. Observed: 1 variant allele.
Comment: The p.Arg514Gly variant in HGF has not been previously reported in individuals w ith hearing loss or in large population studies. Computational prediction tools and conservation analyses suggest that the p.Arg514Gly variant may impact the pr otein, though this information is not predictive enough to determine pathogenici ty. This variant is located in the last three bases of the exon, which is part o f the 5' splice region. Computational tools do not suggest an impact to splicing . However, this information is not predictive enough to rule out pathogenicity. In summary, the clinical significance of the p.Arg514Gly variant is uncertain.

NM_000601.6(HGF):c.1540A>G (p.Arg514Gly)

Gene: HGF (hepatocyte growth factor; minus strand). Cytogenetic location: 7q21.11.
Variant type: single nucleotide variant.
Coding change: c.1540A>G on transcript NM_000601.6 (MANE Select); coding-DNA position 1540, A replaced by G.
Protein change: p.Arg514Gly; replaces arginine 514 with glycine.
Molecular consequence: missense variant.
Genome position (GRCh38, 1-based): chr7:81,710,148, T>C on the plus strand (A>G on the coding strand, the complement: HGF is on the minus strand). VCF-style: chr7-81710148-T-C. GRCh37 (hg19) VCF-style: chr7-81339464-T-C.
Other names: c.1525A>G, p.Arg509Gly (NM_001010932.3); short protein forms R514G, R509G.
Identifiers: ClinVar variation 228740 (VCV000228740.4), dbSNP rs876657831, ClinGen allele CA10576729.